The following is an entry in ClinVar:

NM_001364171.2(ODAD1):c.1322A>G (p.Asp441Gly)

Gene: ODAD1 (outer dynein arm docking complex subunit 1; minus strand). Cytogenetic location: 19q13.33.
Variant type: single nucleotide variant.
Coding change: c.1322A>G on transcript NM_001364171.2 (MANE Select); coding-DNA position 1322, A replaced by G.
Protein change: p.Asp441Gly; replaces aspartic acid 441 with glycine.
Molecular consequence: missense variant.
Genome position (GRCh38, 1-based): chr19:48,298,259, T>C on the plus strand (A>G on the coding strand, the complement: ODAD1 is on the minus strand). VCF-style: chr19-48298259-T-C. GRCh37 (hg19) VCF-style: chr19-48801516-T-C.
Other names: c.1211A>G, p.Asp404Gly (NM_144577.4); short protein forms D404G, D441G.
Identifiers: ClinVar variation 1964614 (VCV001964614.5), dbSNP rs2515927668, ClinGen allele CA406656698.

ClinVar aggregate classification (germline): Uncertain significance (1 of 4 stars; one submission).

Conditions:
Primary ciliary dyskinesia. Also called: Ciliary dyskinesia. Identifiers: Orphanet 244, MedGen C0008780, MONDO:0016575, HP:0012265.

Submission:

Labcorp Genetics (formerly Invitae), Labcorp
Classification: Uncertain significance for Primary ciliary dyskinesia. Last evaluated: 2022-08-16. Review status: criteria provided, single submitter. Criteria: Invitae Variant Classification Sherloc (09022015). Collection method: clinical testing. Allele origin: germline.
Comment: In summary, the available evidence is currently insufficient to determine the role of this variant in disease. Therefore, it has been classified as a Variant of Uncertain Significance. Algorithms developed to predict the effect of missense changes on protein structure and function are either unavailable or do not agree on the potential impact of this missense change (SIFT: "Tolerated"; PolyPhen-2: "Probably Damaging"; Align-GVGD: "Class C0"). This variant has not been reported in the literature in individuals affected with CCDC114-related conditions. This variant is not present in population databases (gnomAD no frequency). This sequence change replaces aspartic acid, which is acidic and polar, with glycine, which is neutral and non-polar, at codon 404 of the CCDC114 protein (p.Asp404Gly).